The following is an entry in ClinVar:

ClinVar aggregate classification (germline): Uncertain significance (1 of 4 stars; one submission).

Allele frequency attached by ClinVar (database versions not stated): gnomAD exomes below 0.00001.
gnomAD v4.1: 2 of 1,613,792 alleles (0.00012%); highest among the groups gnomAD compares: East Asian, 0.0022%; no homozygotes.

Submission:

Labcorp Genetics (formerly Invitae), Labcorp
Classification: Uncertain significance. Last evaluated: 2022-07-07. Review status: criteria provided, single submitter. Criteria: Invitae Variant Classification Sherloc (09022015). Collection method: clinical testing. Allele origin: germline.
Comment: This sequence change replaces glutamic acid, which is acidic and polar, with glycine, which is neutral and non-polar, at codon 1586 of the CPLANE1 protein (p.Glu1586Gly). This variant is not present in population databases (gnomAD no frequency). This variant has not been reported in the literature in individuals affected with CPLANE1-related conditions. ClinVar contains an entry for this variant (Variation ID: 1516127). Advanced modeling of protein sequence and biophysical properties (such as structural, functional, and spatial information, amino acid conservation, physicochemical variation, residue mobility, and thermodynamic stability) performed at Invitae indicates that this missense variant is expected to disrupt CPLANE1 protein function. In summary, the available evidence is currently insufficient to determine the role of this variant in disease. Therefore, it has been classified as a Variant of Uncertain Significance.

NM_001384732.1(CPLANE1):c.4757A>G (p.Glu1586Gly)

Gene: CPLANE1 (ciliogenesis and planar polarity effector complex subunit 1; minus strand). Cytogenetic location: 5p13.2.
Variant type: single nucleotide variant.
Coding change: c.4757A>G on transcript NM_001384732.1 (MANE Select); coding-DNA position 4757, A replaced by G.
Protein change: p.Glu1586Gly; replaces glutamic acid 1586 with glycine.
Molecular consequence: missense variant.
Genome position (GRCh38, 1-based): chr5:37,183,424, T>C on the plus strand (A>G on the coding strand, the complement: CPLANE1 is on the minus strand). VCF-style: chr5-37183424-T-C. GRCh37 (hg19) VCF-style: chr5-37183526-T-C.
Other names: c.4757A>G, p.Glu1586Gly (NM_023073.4); short protein forms E1586G.
Identifiers: ClinVar variation 1516127 (VCV001516127.6), dbSNP rs1783195472, ClinGen allele CA359496503.